The following is an entry in ClinVar:

NM_000368.5(TSC1):c.2392-20G>A

Gene: TSC1 (TSC complex subunit 1; minus strand). Cytogenetic location: 9q34.13.
Variant type: single nucleotide variant.
Coding change: c.2392-20G>A on transcript NM_000368.5 (MANE Select); 20 bases into the intron before coding-DNA position 2392, G replaced by A.
Molecular consequence: intron variant.
Genome position (GRCh38, 1-based): chr9:132,901,719, C>T on the plus strand (G>A on the coding strand, the complement: TSC1 is on the minus strand). VCF-style: chr9-132901719-C-T. GRCh37 (hg19) VCF-style: chr9-135777106-C-T.
Other names: c.2026-20G>A (NM_001406620.1, NM_001406625.1, NM_001406621.1 and 2 more transcripts); c.2029-20G>A (NM_001406618.1, NM_001406617.1, NM_001406619.1 and 5 more transcripts); c.2236-20G>A (NM_001406613.1, NM_001406612.1, NM_001406611.1); c.2239-20G>A (NM_001406610.1, NM_001162427.2); c.1438-20G>A (NM_001406627.1, NM_001406628.1); c.1339-20G>A (NM_001406629.1, NM_001406630.1); c.2374-20G>A (NM_001406603.1, NM_001406604.1); c.2389-20G>A (NM_001406609.1, NM_001406597.1, NM_001406600.1 and 4 more transcripts); and 3 more.
Identifiers: ClinVar variation 2803170 (VCV002803170.4), dbSNP rs1181323344, ClinGen allele CA1882407571.

ClinVar aggregate classification (germline): Likely benign. Review status: criteria provided, multiple submitters, no conflicts (2 of 4 stars). 2 submissions from 2 submitters: Likely benign (2). Last evaluated 2025-04-25.

Conditions:
Tuberous sclerosis 1 (TSC1). Identifiers: Orphanet 805, MedGen C1854465, MONDO:0008612, OMIM 191100.

Allele frequency attached by ClinVar (database versions not stated): TOPMed below 0.00001.

Submissions (2):

Myriad Genetics, Inc.
Classification: Likely benign for Tuberous sclerosis 1. Last evaluated: 2025-04-25. Review status: criteria provided, single submitter. Criteria: Myriad Autosomal Dominant, Autosomal Recessive and X-Linked Classification Criteria (2023). Collection method: clinical testing. Allele origin: unknown.
Comment: This variant is considered likely benign. This variant is intronic and is not expected to impact mRNA splicing.

Labcorp Genetics (formerly Invitae), Labcorp
Classification: Likely benign for Tuberous sclerosis 1. Last evaluated: 2024-05-21. Review status: criteria provided, single submitter. Criteria: Invitae Variant Classification Sherloc (09022015). Collection method: clinical testing. Allele origin: germline.